The following is an entry in ClinVar:

ClinVar aggregate classification (germline): Uncertain significance (1 of 4 stars; one submission).

Conditions:
Sulfite oxidase deficiency due to molybdenum cofactor deficiency type C. Also called: Molybdenum cofactor deficiency, complementation group C; Molybdenum cofactor deficiency C. Identifiers: Orphanet 308400, Orphanet 833, MedGen C1854990, MONDO:0014212, OMIM 615501.

gnomAD v4.1: 1 of 1,613,450 alleles (0.000062%); highest among the groups gnomAD compares: East Asian, 0.0022%; no homozygotes.

Submission:

Labcorp Genetics (formerly Invitae), Labcorp
Classification: Uncertain significance for Sulfite oxidase deficiency due to molybdenum cofactor deficiency type C. Last evaluated: 2025-06-04. Review status: criteria provided, single submitter. Criteria: Invitae Variant Classification Sherloc (09022015). Collection method: clinical testing. Allele origin: germline.
Comment: This sequence change replaces valine, which is neutral and non-polar, with leucine, which is neutral and non-polar, at codon 482 of the GPHN protein (p.Val482Leu). This variant is not present in population databases (gnomAD no frequency). This variant has not been reported in the literature in individuals affected with GPHN-related conditions. Invitae Evidence Modeling of protein sequence and biophysical properties (such as structural, functional, and spatial information, amino acid conservation, physicochemical variation, residue mobility, and thermodynamic stability) indicates that this missense variant is not expected to disrupt GPHN protein function with a negative predictive value of 80%. In summary, the available evidence is currently insufficient to determine the role of this variant in disease. Therefore, it has been classified as a Variant of Uncertain Significance.

NM_020806.5(GPHN):c.1444G>T (p.Val482Leu)

Gene: GPHN (gephyrin; plus strand). Cytogenetic location: 14q23.3.
Variant type: single nucleotide variant.
Coding change: c.1444G>T on transcript NM_020806.5 (MANE Select); coding-DNA position 1444, G replaced by T.
Protein change: p.Val482Leu; replaces valine 482 with leucine.
Molecular consequence: missense variant.
Genome position (GRCh38, 1-based): chr14:67,111,891, G>T. VCF-style: chr14-67111891-G-T. GRCh37 (hg19) VCF-style: chr14-67578608-G-T.
Other names: c.1345G>T, p.Val449Leu (NM_001024218.2); c.1504G>T, p.Val502Leu (NM_001377514.1); c.1474G>T, p.Val492Leu (NM_001377515.1); c.1465G>T, p.Val489Leu (NM_001377516.1); c.1417G>T, p.Val473Leu (NM_001377517.1); c.1402G>T, p.Val468Leu (NM_001377518.1); c.1384G>T, p.Val462Leu (NM_001377519.1); short protein forms V449L, V462L, V468L, V473L, V482L, V489L, V492L, V502L.
Identifiers: ClinVar variation 4799367 (VCV004799367.1).